The following is an entry in ClinVar:

ClinVar aggregate classification (germline): Uncertain significance (1 of 4 stars; one submission).

Conditions:
Primary ciliary dyskinesia. Also called: Ciliary dyskinesia. Identifiers: Orphanet 244, MedGen C0008780, MONDO:0016575, HP:0012265.

Allele frequency attached by ClinVar (database versions not stated): gnomAD exomes below 0.00001.
gnomAD v4.1: 1 of 1,613,220 alleles (0.000062%); highest among the groups gnomAD compares: South Asian, 0.0011%; no homozygotes.

Submission:

Ambry Genetics
Classification: Uncertain significance for Primary ciliary dyskinesia. Last evaluated: 2023-12-15. Review status: criteria provided, single submitter. Criteria: Ambry Variant Classification Scheme 2023. Collection method: clinical testing. Allele origin: germline.
Comment: The p.T80I variant (also known as c.239C>T), located in coding exon 2 of the RSPH9 gene, results from a C to T substitution at nucleotide position 239. The threonine at codon 80 is replaced by isoleucine, an amino acid with similar properties. This amino acid position is conserved. In addition, this alteration is predicted to be tolerated by in silico analysis. Since supporting evidence is limited at this time, the clinical significance of this alteration remains unclear.

NM_152732.5(RSPH9):c.239C>T (p.Thr80Ile)

Gene: RSPH9 (radial spoke head component 9; plus strand). Cytogenetic location: 6p21.1.
Variant type: single nucleotide variant.
Coding change: c.239C>T on transcript NM_152732.5 (MANE Select); coding-DNA position 239, C replaced by T.
Protein change: p.Thr80Ile; replaces threonine 80 with isoleucine.
Molecular consequence: missense variant. On other transcripts: non-coding transcript variant (1).
Genome position (GRCh38, 1-based): chr6:43,650,386, C>T. VCF-style: chr6-43650386-C-T. GRCh37 (hg19) VCF-style: chr6-43618123-C-T.
Other names: c.239C>T, p.Thr80Ile (NM_001193341.2, NM_001424119.1, NM_001424120.1 and 1 more transcripts); short protein forms T80I.
Identifiers: ClinVar variation 3229274 (VCV003229274.1), dbSNP rs1235868570, ClinGen allele CA364288357.